The following is an entry in ClinVar:

NM_001365999.1(SZT2):c.7936C>T (p.Arg2646Trp)

Gene: SZT2 (SZT2 subunit of KICSTOR complex; plus strand). Cytogenetic location: 1p34.2.
Variant type: single nucleotide variant.
Coding change: c.7936C>T on transcript NM_001365999.1 (MANE Select); coding-DNA position 7936, C replaced by T.
Protein change: p.Arg2646Trp; replaces arginine 2646 with tryptophan.
Molecular consequence: missense variant.
Genome position (GRCh38, 1-based): chr1:43,442,330, C>T. VCF-style: chr1-43442330-C-T. GRCh37 (hg19) VCF-style: chr1-43908001-C-T.
Other names: c.7765C>T, p.Arg2589Trp (NM_015284.4); short protein forms R2589W, R2646W.
Identifiers: ClinVar variation 451420 (VCV000451420.6), dbSNP rs906119040, ClinGen allele CA21647991.

ClinVar aggregate classification (germline): Uncertain significance. Review status: criteria provided, multiple submitters, no conflicts (2 of 4 stars). 4 submissions from 4 submitters: Uncertain significance (4). Last evaluated 2024-11-06.

Conditions:
Developmental and epileptic encephalopathy, 18 (DEE18). Also called: Early infantile epileptic encephalopathy 18. Identifiers: Orphanet 369894, MedGen C3809624, MONDO:0014201, OMIM 615476.

Allele frequency attached by ClinVar (database versions not stated): TOPMed 0.00001.

Submissions (4):

3billion
Classification: Uncertain significance for Developmental and epileptic encephalopathy, 18. Last evaluated: 2024-11-06. Review status: criteria provided, single submitter. Criteria: ACMG Guidelines, 2015. Collection method: clinical testing. Allele origin: germline. Affected: yes.
Comment: The variant is observed at an extremely low frequency in the gnomAD v4.1.0 dataset (total allele frequency: <0.001%). Predicted Consequence/Location: Missense variant. The majority of the known disease-causing variants of this gene are variants expected to result in premature termination of the protein. In silico tool predictions suggest damaging effect of the variant on gene or gene product [REVEL: 0.73 (>=0.6, sensitivity 0.68 and specificity 0.92)]. The same nucleotide change resulting in the same amino acid change has been previously reported to be associated with SZT2 related disorder (PMID: 35352205). However, the evidence of pathogenicity is insufficient at this time. Therefore, this variant is classified as VUS according to the recommendation of ACMG/AMP guideline.

Genome-Nilou Lab
Classification: Uncertain significance for Developmental and epileptic encephalopathy, 18. Last evaluated: 2023-04-11. Review status: criteria provided, single submitter. Criteria: ACMG Guidelines, 2015. Collection method: clinical testing. Allele origin: germline. Affected: no.

GeneDx
Classification: Uncertain significance. Last evaluated: 2019-06-11. Review status: criteria provided, single submitter. Criteria: GeneDx Variant Classification Process June 2021. Collection method: clinical testing. Allele origin: germline. Affected: yes.
Comment: Not observed in large population cohorts (Lek et al., 2016); In silico analysis, which includes protein predictors and evolutionary conservation, supports a deleterious effect

Institute of Human Genetics, University of Leipzig Medical Center
Classification: Uncertain significance for Developmental and epileptic encephalopathy, 18. Last evaluated: 2019-01-01. Review status: criteria provided, single submitter. Criteria: ACMG Guidelines, 2015. Collection method: clinical testing. Allele origin: unknown. Affected: yes.

Literature cited by the submitters: PubMed 35352205 (cited by 3billion).